The following is an entry in ClinVar:

ClinVar aggregate classification (germline): Uncertain significance. Review status: criteria provided, multiple submitters, no conflicts (2 of 4 stars). 4 submissions from 4 submitters: Uncertain significance (4). Last evaluated 2026-02-01.

Conditions:
Inborn genetic diseases. Identifiers: MedGen C0950123, MeSH D030342.
Hereditary spastic paraplegia 39 (SPG39). Also called: Spastic Paraplegia Type 39 (SPG39); SPASTIC PARAPLEGIA 39, AUTOSOMAL RECESSIVE. Identifiers: Orphanet 139480, MedGen C2677586, MONDO:0012787, OMIM 612020.

Allele frequency attached by ClinVar (database versions not stated): gnomAD exomes 0.00006 and 0.00008; ExAC 0.00008; gnomAD 0.00008 and 0.00009; TOPMed 0.00011.
gnomAD v4.1: 104 of 1,613,312 alleles (0.0064%); highest among the groups gnomAD compares: Admixed American, 0.035%; no homozygotes.

Submissions (4):

Labcorp Genetics (formerly Invitae), Labcorp
Classification: Uncertain significance for Hereditary spastic paraplegia 39. Last evaluated: 2026-02-01. Review status: criteria provided, single submitter. Criteria: Invitae Variant Classification Sherloc (09022015). Collection method: clinical testing. Allele origin: germline.
Comment: This sequence change replaces histidine, which is basic and polar, with tyrosine, which is neutral and polar, at codon 1023 of the PNPLA6 protein (p.His1023Tyr). This variant is present in population databases (rs753273617, gnomAD 0.03%). This variant has not been reported in the literature in individuals affected with PNPLA6-related conditions. ClinVar contains an entry for this variant (Variation ID: 864282). Invitae Evidence Modeling of protein sequence and biophysical properties (such as structural, functional, and spatial information, amino acid conservation, physicochemical variation, residue mobility, and thermodynamic stability) indicates that this missense variant is not expected to disrupt PNPLA6 protein function with a negative predictive value of 80%. In summary, the available evidence is currently insufficient to determine the role of this variant in disease. Therefore, it has been classified as a Variant of Uncertain Significance.

Ambry Genetics
Classification: Uncertain significance for Inborn genetic diseases. Last evaluated: 2025-07-08. Review status: criteria provided, single submitter. Criteria: Ambry Variant Classification Scheme 2023. Collection method: clinical testing. Allele origin: germline.

Blueprint Genetics
Classification: Uncertain significance. Last evaluated: 2024-05-10. Review status: criteria provided, single submitter. Criteria: ACMG Guidelines, 2015. Collection method: clinical testing. Allele origin: germline.

GeneDx
Classification: Uncertain significance. Last evaluated: 2019-10-18. Review status: criteria provided, single submitter. Criteria: GeneDx Variant Classification Process June 2021. Collection method: clinical testing. Allele origin: germline. Affected: yes.
Comment: In silico analysis, which includes protein predictors and evolutionary conservation, supports that this variant does not alter protein structure/function; Has not been previously published as pathogenic or benign to our knowledge

NM_001166114.2(PNPLA6):c.3181C>T (p.His1061Tyr)

Gene: PNPLA6 (patatin like domain 6, lysophospholipase; plus strand). Cytogenetic location: 19p13.2.
Variant type: single nucleotide variant.
Coding change: c.3181C>T on transcript NM_001166114.2 (MANE Select); coding-DNA position 3181, C replaced by T.
Protein change: p.His1061Tyr; replaces histidine 1061 with tyrosine.
Molecular consequence: missense variant.
Genome position (GRCh38, 1-based): chr19:7,556,540, C>T. VCF-style: chr19-7556540-C-T. GRCh37 (hg19) VCF-style: chr19-7621426-C-T.
Other names: c.3211C>T, p.His1071Tyr (NM_001166111.2); c.2986C>T, p.His996Tyr (NM_001166112.2); c.3067C>T, p.His1023Tyr (NM_001166113.1, NM_006702.5); short protein forms H1071Y, H996Y, H1023Y, H1061Y.
Identifiers: ClinVar variation 864282 (VCV000864282.14), dbSNP rs753273617, ClinGen allele CA9140353.
Genomic context (GRCh38, chr19:7,556,540, plus strand): 5'-TTGGACCTCACGTACCCAGTCACCTCCATGTTCACTGGGTCTGCCTTTAACCGCAGCATC[C>T]ATCGGGTCTTCCAGGATAAGCAGATTGAGGTAGGCCCACCTCATCCCCTGCCCTGCCTAC-3'
Protein context (NP_001159586.1, residues 1051-1071): FTGSAFNRSI[His1061Tyr]RVFQDKQIED